The following is an entry in ClinVar:

ClinVar aggregate classification (germline): Uncertain significance (1 of 4 stars; one submission).

Allele frequency attached by ClinVar (database versions not stated): ExAC 0.00001.
gnomAD v4.1: 1 of 1,598,884 alleles (0.000063%); no homozygotes.

Submission:

Labcorp Genetics (formerly Invitae), Labcorp
Classification: Uncertain significance. Last evaluated: 2023-09-12. Review status: criteria provided, single submitter. Criteria: Invitae Variant Classification Sherloc (09022015). Collection method: clinical testing. Allele origin: germline.
Comment: In summary, the available evidence is currently insufficient to determine the role of this variant in disease. Therefore, it has been classified as a Variant of Uncertain Significance. An algorithm developed to predict the effect of missense changes on protein structure and function (PolyPhen-2) suggests that this variant is likely to be tolerated. This variant has not been reported in the literature in individuals affected with ACER3-related conditions. The frequency data for this variant in the population databases is considered unreliable, as metrics indicate poor data quality at this position in the gnomAD database. This sequence change replaces glycine, which is neutral and non-polar, with serine, which is neutral and polar, at codon 211 of the ACER3 protein (p.Gly211Ser).

NM_018367.7(ACER3):c.631G>A (p.Gly211Ser)

Gene: ACER3 (alkaline ceramidase 3; plus strand). Cytogenetic location: 11q13.5.
Variant type: single nucleotide variant.
Coding change: c.631G>A on transcript NM_018367.7 (MANE Select); coding-DNA position 631, G replaced by A.
Protein change: p.Gly211Ser; replaces glycine 211 with serine.
Molecular consequence: missense variant.
Genome position (GRCh38, 1-based): chr11:77,016,706, G>A. VCF-style: chr11-77016706-G-A. GRCh37 (hg19) VCF-style: chr11-76727750-G-A.
Other names: c.520G>A, p.Gly174Ser (NM_001300953.2); c.346G>A, p.Gly116Ser (NM_001300954.2, NM_001300955.2); short protein forms G116S, G174S, G211S.
Identifiers: ClinVar variation 2781610 (VCV002781610.3), dbSNP rs782673196, ClinGen allele CA6195768.